The following is an entry in ClinVar:

NM_001377530.1(DMBT1):c.5088C>T (p.Gly1696=)

Gene: DMBT1 (deleted in malignant brain tumors 1; plus strand). Cytogenetic location: 10q26.13.
Variant type: single nucleotide variant.
Coding change: c.5088C>T on transcript NM_001377530.1 (MANE Select); coding-DNA position 5088, C replaced by T.
Protein change: p.Gly1696=; no amino-acid change (glycine 1696 retained).
Molecular consequence: synonymous variant.
Genome position (GRCh38, 1-based): chr10:122,618,213, C>T. VCF-style: chr10-122618213-C-T. GRCh37 (hg19) VCF-style: chr10-124377729-C-T.
Other names: c.4701C>T, p.Gly1567= (NM_001320644.2, NM_007329.3); c.2817C>T, p.Gly939= (NM_004406.3); c.4671C>T, p.Gly1557= (NM_017579.3).
Identifiers: ClinVar variation 3047949 (VCV003047949.2), dbSNP rs759583388, ClinGen allele CA5727730.
Genomic context (GRCh38, chr10:122,618,213, plus strand): 5'-CAGGCAGCTGGGCTGTGGCTGGGCCATGTCAGCCCCAGGAAATGCCCAGTTTGGCCAGGG[C>T]TCAGGACCCATTGTCCTGGATGATGTGCGCTGCTCAGGACACGAGTCTTACCTGTGGAGC-3'
Protein context (NP_001364459.1, residues 1686-1706): SAPGNAQFGQ[Gly1696=]SGPIVLDDVR

ClinVar aggregate classification (germline): Likely benign (0 of 4 stars; one submission).

Conditions:
DMBT1-related disorder. Also called: DMBT1-related condition.

Allele frequency attached by ClinVar (database versions not stated): ExAC 0.00001; gnomAD exomes 0.00001.
gnomAD v4.1: 12 of 1,613,852 alleles (0.00074%); highest among the groups gnomAD compares: Non-Finnish European, 0.00085%; no homozygotes.

Submission:

PreventionGenetics, part of Exact Sciences
Classification: Likely benign for DMBT1-related condition. Last evaluated: 2019-04-23. Review status: no assertion criteria provided. Collection method: clinical testing. Allele origin: germline.
Comment: This variant is classified as likely benign based on ACMG/AMP sequence variant interpretation guidelines (Richards et al. 2015 PMID: 25741868, with internal and published modifications).